The following is an entry in ClinVar:

NM_006361.6(HOXB13):c.81G>T (p.Leu27=)

Gene: HOXB13 (homeobox B13; minus strand). Cytogenetic location: 17q21.32.
Variant type: single nucleotide variant.
Coding change: c.81G>T on transcript NM_006361.6 (MANE Select); coding-DNA position 81, G replaced by T.
Protein change: p.Leu27=; no amino-acid change (leucine 27 retained).
Molecular consequence: synonymous variant.
Genome position (GRCh38, 1-based): chr17:48,728,513, C>A on the plus strand (G>T on the coding strand, the complement: HOXB13 is on the minus strand). VCF-style: chr17-48728513-C-A. GRCh37 (hg19) VCF-style: chr17-46805875-C-A.
Identifiers: ClinVar variation 690971 (VCV000690971.11), dbSNP rs1319038051, ClinGen allele CA500503019.

ClinVar aggregate classification (germline): Benign/Likely benign. Review status: criteria provided, multiple submitters, no conflicts (2 of 4 stars). 5 submissions from 5 submitters: Benign (1); Likely benign (2). 2 of the submissions do not count toward it. Last evaluated 2024-10-28.

Conditions:
Prostate cancer, hereditary, 1 (HPC1). Identifiers: Orphanet 1331, MedGen C4722327, MONDO:0011098, OMIM 601518.
Prostate cancer, hereditary, 9 (HPC9). Identifiers: Orphanet 1331, MedGen C1970250, MONDO:0012597, OMIM 610997.
HOXB13-related disorder. Also called: HOXB13-related disorders; HOXB13-related condition.
Hereditary cancer-predisposing syndrome. Also called: Neoplastic Syndromes, Hereditary; Tumor predisposition; Hereditary neoplastic syndrome; Hereditary Cancer Syndrome. Identifiers: Orphanet 140162, MedGen C0027672, MeSH D009386, MONDO:0015356.

Submissions (5):

Myriad Genetics, Inc.
Classification: Benign for Prostate cancer, hereditary, 9. Last evaluated: 2024-10-28. Review status: criteria provided, single submitter. Criteria: Myriad Autosomal Dominant, Autosomal Recessive and X-Linked Classification Criteria (2023). Collection method: clinical testing. Allele origin: unknown.
Comment: This variant is considered benign. This variant is a silent/synonymous amino acid change and it is not expected to impact splicing.

Ambry Genetics
Classification: Likely benign for Hereditary cancer-predisposing syndrome. Last evaluated: 2023-04-25. Review status: criteria provided, single submitter. Criteria: Ambry Variant Classification Scheme 2023. Collection method: clinical testing. Allele origin: germline.

Labcorp Genetics (formerly Invitae), Labcorp
Classification: Likely benign. Last evaluated: 2023-01-14. Review status: criteria provided, single submitter. Criteria: Invitae Variant Classification Sherloc (09022015). Collection method: clinical testing. Allele origin: germline.

PreventionGenetics, part of Exact Sciences
Classification: Likely benign for HOXB13-related condition. Last evaluated: 2022-12-21. Review status: no assertion criteria provided. Collection method: clinical testing. Allele origin: germline. Not counted in ClinVar's aggregate classification.
Comment: This variant is classified as likely benign based on ACMG/AMP sequence variant interpretation guidelines (Richards et al. 2015 PMID: 25741868, with internal and published modifications).

Laboratory of Virology, Microbiology,  Quality and Medical Biotechnologies, Faculty of Sciences and Techniques - Mohammedia, Hassan II University of Casablanca
Classification: Uncertain significance for Prostate cancer, hereditary, 1. Review status: no assertion criteria provided. Collection method: clinical testing. Allele origin: somatic. Affected: yes. Not counted in ClinVar's aggregate classification.